The following is an entry in ClinVar:

ClinVar aggregate classification (germline): Uncertain significance. Review status: criteria provided, multiple submitters, no conflicts (2 of 4 stars). 3 submissions from 3 submitters: Uncertain significance (3). Last evaluated 2026-01-09.

Conditions:
Autosomal dominant nonsyndromic hearing loss 6 (LFSNHL). Also called: DEAFNESS, AUTOSOMAL DOMINANT 6; DEAFNESS, AUTOSOMAL DOMINANT 14; DEAFNESS, AUTOSOMAL DOMINANT 38; Autosomal dominant nonsyndromic deafness 6. Identifiers: Orphanet 90635, MedGen C1833021, MONDO:0010963, OMIM 600965.
Wolfram-like syndrome. Also called: HEARING LOSS, PROGRESSIVE, WITH OPTIC ATROPHY AND/OR IMPAIRED GLUCOSE REGULATION. Identifiers: Orphanet 411590, MedGen C3280358, MONDO:0013673, OMIM 614296.
Type 2 diabetes mellitus. Also called: Type II diabetes mellitus. Identifiers: MedGen C0011860, MeSH D003924, MONDO:0005148, OMIM 125853, HP:0005978.
Wolfram syndrome 1 (WFS1). Identifiers: Orphanet 3463, MedGen C4551693, MONDO:0009101, OMIM 222300.
Cataract 41 (CTRCT41). Also called: CATARACT 41, CONGENITAL NUCLEAR TYPE. Identifiers: Orphanet 91492, Orphanet 98991, Orphanet 98992, Orphanet 98995, MedGen C3805412, MONDO:0007287, OMIM 116400.
Inborn genetic diseases. Identifiers: MedGen C0950123, MeSH D030342.

gnomAD v4.1: 1 of 1,614,082 alleles (0.000062%); highest among the groups gnomAD compares: South Asian, 0.0011%; no homozygotes.

Submissions (3):

Ambry Genetics
Classification: Uncertain significance for Inborn genetic diseases. Last evaluated: 2026-01-09. Review status: criteria provided, single submitter. Criteria: Ambry Variant Classification Scheme 2023. Collection method: clinical testing. Allele origin: germline.

Labcorp Genetics (formerly Invitae), Labcorp
Classification: Uncertain significance. Last evaluated: 2025-10-18. Review status: criteria provided, single submitter. Criteria: Invitae Variant Classification Sherloc (09022015). Collection method: clinical testing. Allele origin: germline.
Comment: This sequence change replaces glutamic acid, which is acidic and polar, with aspartic acid, which is acidic and polar, at codon 301 of the WFS1 protein (p.Glu301Asp). This variant is not present in population databases (gnomAD no frequency). This variant has not been reported in the literature in individuals affected with WFS1-related conditions. ClinVar contains an entry for this variant (Variation ID: 2799660). Invitae Evidence Modeling of protein sequence and biophysical properties (such as structural, functional, and spatial information, amino acid conservation, physicochemical variation, residue mobility, and thermodynamic stability) indicates that this missense variant is not expected to disrupt WFS1 protein function with a negative predictive value of 95%. In summary, the available evidence is currently insufficient to determine the role of this variant in disease. Therefore, it has been classified as a Variant of Uncertain Significance.

Fulgent Genetics
Classification: Uncertain significance for Cataract 41; Type 2 diabetes mellitus; Wolfram syndrome 1; Autosomal dominant nonsyndromic hearing loss 6; Wolfram-like syndrome. Last evaluated: 2024-05-07. Review status: criteria provided, single submitter. Criteria: ACMG Guidelines, 2015. Collection method: clinical testing. Allele origin: germline.

NM_006005.3(WFS1):c.903G>C (p.Glu301Asp)

Gene: WFS1 (wolframin ER transmembrane glycoprotein; plus strand). Cytogenetic location: 4p16.1.
Variant type: single nucleotide variant.
Coding change: c.903G>C on transcript NM_006005.3 (MANE Select); coding-DNA position 903, G replaced by C.
Protein change: p.Glu301Asp; replaces glutamic acid 301 with aspartic acid.
Molecular consequence: missense variant.
Genome position (GRCh38, 1-based): chr4:6,300,698, G>C. VCF-style: chr4-6300698-G-C. GRCh37 (hg19) VCF-style: chr4-6302425-G-C.
Other names: c.903G>C, p.Glu301Asp (NM_001145853.1); short protein forms E301D.
Identifiers: ClinVar variation 2799660 (VCV002799660.5), dbSNP rs1553878261, ClinGen allele CA356173852.